The following is an entry in ClinVar:

NM_014285.7(EXOSC2):c.592G>T (p.Gly198Cys)

Gene: EXOSC2 (exosome component 2; plus strand). Cytogenetic location: 9q34.12.
Variant type: single nucleotide variant.
Coding change: c.592G>T on transcript NM_014285.7 (MANE Select); coding-DNA position 592, G replaced by T.
Protein change: p.Gly198Cys; replaces glycine 198 with cysteine.
Molecular consequence: missense variant. On other transcripts: non-coding transcript variant (1).
Genome position (GRCh38, 1-based): chr9:130,702,230, G>T. VCF-style: chr9-130702230-G-T. GRCh37 (hg19) VCF-style: chr9-133577617-G-T.
Other names: c.514G>T, p.Gly172Cys (NM_001282708.1); c.502G>T, p.Gly168Cys (NM_001282709.1); short protein forms G172C, G168C, G198C.
Identifiers: ClinVar variation 1944320 (VCV001944320.3), dbSNP rs745994967, ClinGen allele CA375247995.
Genomic context (GRCh38, chr9:130,702,230, plus strand): 5'-CTGGTGAAACGGCAGAAGACCCACTTTCATGATTTGCCATGTGGTGCCTCAGTGATTCTC[G>T]GTAACAACGGCTTCATCTGGATTTACCCAACACCTGAGCACAAAGAAGAGGAAGCAGGGG-3'
Protein context (NP_055100.2, residues 188-208): DLPCGASVIL[Gly198Cys]NNGFIWIYPT

ClinVar aggregate classification (germline): Uncertain significance (1 of 4 stars; one submission).

Submission:

Labcorp Genetics (formerly Invitae), Labcorp
Classification: Uncertain significance. Last evaluated: 2022-10-13. Review status: criteria provided, single submitter. Criteria: Invitae Variant Classification Sherloc (09022015). Collection method: clinical testing. Allele origin: germline.
Comment: In summary, the available evidence is currently insufficient to determine the role of this variant in disease. Therefore, it has been classified as a Variant of Uncertain Significance. Advanced modeling of protein sequence and biophysical properties (such as structural, functional, and spatial information, amino acid conservation, physicochemical variation, residue mobility, and thermodynamic stability) performed at Invitae indicates that this missense variant is expected to disrupt EXOSC2 protein function. This variant has not been reported in the literature in individuals affected with EXOSC2-related conditions. This variant is not present in population databases (gnomAD no frequency). This sequence change replaces glycine, which is neutral and non-polar, with cysteine, which is neutral and slightly polar, at codon 198 of the EXOSC2 protein (p.Gly198Cys).